The following is an entry in ClinVar:

ClinVar aggregate classification (germline): Pathogenic (1 of 4 stars; one submission).

Conditions:
Joubert syndrome. Also called: CEREBELLOPARENCHYMAL DISORDER IV; JOUBERT-BOLTSHAUSER SYNDROME; Familial aplasia of the vermis. Identifiers: Orphanet 475, MedGen C5979921, MONDO:0018772.
Meckel-Gruber syndrome. Also called: DYSENCEPHALIA SPLANCHNOCYSTICA; GRUBER SYNDROME; Dysencephalia splachnocystica. Identifiers: Orphanet 564, MedGen C0265215, MONDO:0018921.

Submission:

Labcorp Genetics (formerly Invitae), Labcorp
Classification: Pathogenic for Joubert syndrome; Meckel-Gruber syndrome. Last evaluated: 2022-03-26. Review status: criteria provided, single submitter. Criteria: Invitae Variant Classification Sherloc (09022015). Collection method: clinical testing. Allele origin: germline.
Comment: For these reasons, this variant has been classified as Pathogenic. This variant has not been reported in the literature in individuals affected with RPGRIP1L-related conditions. This variant is not present in population databases (gnomAD no frequency). This sequence change creates a premature translational stop signal (p.Lys100Serfs*12) in the RPGRIP1L gene. It is expected to result in an absent or disrupted protein product. Loss-of-function variants in RPGRIP1L are known to be pathogenic (PMID: 17558409).

Literature cited by the submitters: PubMed 17558409.

NM_015272.5(RPGRIP1L):c.299del (p.Lys100fs)

Gene: RPGRIP1L (RPGRIP1 like; minus strand). Cytogenetic location: 16q12.2.
Variant type: Deletion.
Coding change: c.299del on transcript NM_015272.5 (MANE Select); coding-DNA position 299, one base deleted (A; older notation c.299delA).
Protein change: p.Lys100fs; shifts the reading frame from lysine 100.
Molecular consequence: frameshift variant.
Genome position (GRCh38, 1-based): chr16:53,692,296, T deleted on the plus strand (A on the coding strand, the reverse complement: RPGRIP1L is on the minus strand); the first of 2 consecutive T bases (chr16:53,692,296-53,692,297); deleting either gives the same sequence. VCF-style (leftmost placement, unchanged base first): chr16-53692295-CT-C. GRCh37 (hg19) VCF-style: chr16-53726207-CT-C.
Other names: c.299del, p.Lys100fs (NM_001127897.4, NM_001308334.3, NM_001330538.2); short protein forms K100fs.
Identifiers: ClinVar variation 2117033 (VCV002117033.4), dbSNP rs2544708386, ClinGen allele CA2580091608.